The following is an entry in ClinVar:

ClinVar aggregate classification (germline): Likely benign. Review status: criteria provided, multiple submitters, no conflicts (2 of 4 stars). 2 submissions from 2 submitters: Likely benign (2). Last evaluated 2026-09-23.

Conditions:
Neurofibromatosis, type 1 (NF1). Also called: Neurofibromatosis, type I; VON RECKLINGHAUSEN DISEASE; Peripheral type neurofibromatosis; NEUROFIBROMATOSIS, TYPE I, SOMATIC. Identifiers: Orphanet 636, MedGen C0027831, MONDO:0018975, OMIM 162200. Disease mechanism: loss of function.

Submissions (2):

Myriad Genetics, Inc.
Classification: Likely benign for Neurofibromatosis, type 1. Last evaluated: 2026-09-23. Review status: criteria provided, single submitter. Criteria: Myriad Autosomal Dominant, Autosomal Recessive and X-Linked Classification Criteria (2023). Collection method: clinical testing. Allele origin: unknown.
Comment: This variant is considered likely benign. This variant is intronic and is not expected to impact mRNA splicing.

Labcorp Genetics (formerly Invitae), Labcorp
Classification: Likely benign for Neurofibromatosis, type 1. Last evaluated: 2024-04-22. Review status: criteria provided, single submitter. Criteria: Invitae Variant Classification Sherloc (09022015). Collection method: clinical testing. Allele origin: germline.

NM_001042492.3(NF1):c.2251+8T>G

Gene: NF1 (neurofibromin 1; plus strand). Cytogenetic location: 17q11.2.
Variant type: single nucleotide variant.
Coding change: c.2251+8T>G on transcript NM_001042492.3 (MANE Select); 8 bases into the intron after coding-DNA position 2251, T replaced by G.
Molecular consequence: intron variant.
Genome position (GRCh38, 1-based): chr17:31,226,692, T>G. VCF-style: chr17-31226692-T-G. GRCh37 (hg19) VCF-style: chr17-29553710-T-G.
Other names: c.2251+8T>G (NM_000267.4).
Identifiers: ClinVar variation 1085254 (VCV001085254.8), dbSNP rs2151426190, ClinGen allele CA2499224050.
Genomic context (GRCh38, chr17:31,226,692, plus strand): 5'-CAACTATAACACATTCATGGAGTTTGCCTCTGTCAGCAATATGATGTCAACAGGTAAATG[T>G]GAATAGTGGTTTTTTTTACTCAGTCTGCCTCAAAGCACATGGCATCTGATTTTGAGAATG-3'